The following is an entry in ClinVar:

NM_145290.4(ADGRA3):c.1810-13T>G

Gene: ADGRA3 (adhesion G protein-coupled receptor A3; minus strand). Cytogenetic location: 4p15.2.
Variant type: single nucleotide variant.
Coding change: c.1810-13T>G on transcript NM_145290.4 (MANE Select); 13 bases into the intron before coding-DNA position 1810, T replaced by G.
Molecular consequence: intron variant.
Genome position (GRCh38, 1-based): chr4:22,413,827, A>C on the plus strand (T>G on the coding strand, the complement: ADGRA3 is on the minus strand). VCF-style: chr4-22413827-A-C. GRCh37 (hg19) VCF-style: chr4-22415450-A-C.
Identifiers: ClinVar variation 3000175 (VCV003000175.3), dbSNP rs779195288, ClinGen allele CA2873810.

ClinVar aggregate classification (germline): Uncertain significance (1 of 4 stars; one submission).

Allele frequency attached by ClinVar (database versions not stated): gnomAD exomes below 0.00001; TOPMed 0.00001; ExAC 0.00002.

Submission:

Labcorp Genetics (formerly Invitae), Labcorp
Classification: Uncertain significance. Last evaluated: 2024-01-12. Review status: criteria provided, single submitter. Criteria: Invitae Variant Classification Sherloc (09022015). Collection method: clinical testing. Allele origin: germline.
Comment: This sequence change falls in intron 12 of the ADGRA3 gene. It does not directly change the encoded amino acid sequence of the ADGRA3 protein. This variant is present in population databases (rs779195288, gnomAD 0.007%). This variant has not been reported in the literature in individuals affected with ADGRA3-related conditions. Algorithms developed to predict the effect of sequence changes on RNA splicing suggest that this variant may disrupt the consensus splice site. In summary, the available evidence is currently insufficient to determine the role of this variant in disease. Therefore, it has been classified as a Variant of Uncertain Significance.